The following is an entry in ClinVar:

ClinVar aggregate classification (germline): Likely pathogenic (1 of 4 stars; one submission).

Submission:

GeneDx
Classification: Likely pathogenic. Last evaluated: 2023-10-23. Review status: criteria provided, single submitter. Criteria: GeneDx Variant Classification Process June 2021. Collection method: clinical testing. Allele origin: germline. Affected: yes.
Comment: Nonsense variant predicted to result in protein truncation or nonsense mediated decay in a gene for which loss of function is a known mechanism of disease; Not observed at significant frequency in large population cohorts (gnomAD); Has not been previously published as pathogenic or benign to our knowledge

NM_001330288.2(SMARCC2):c.2392_2393del (p.Thr797_Asp798insTer)

Gene: SMARCC2 (SWI/SNF related BAF chromatin remodeling complex subunit C2; minus strand). Cytogenetic location: 12q13.2.
Variant type: Deletion.
Coding change: c.2392_2393del on transcript NM_001330288.2 (MANE Select); coding-DNA positions 2392 to 2393, 2 bases deleted (GA; older notation c.2392_2393delGA).
Protein change: p.Thr797_Asp798insTer.
Molecular consequence: nonsense.
Genome position (GRCh38, 1-based): chr12:56,170,163-56,170,164, TC deleted on the plus strand (GA on the coding strand, the reverse complement: SMARCC2 is on the minus strand); deleting any 2 consecutive bases within chr12:56,170,163-56,170,165 gives the same sequence; the c. name uses the placement nearest the transcript's 3' end. VCF-style (leftmost placement, unchanged base first): chr12-56170162-ATC-A. GRCh37 (hg19) VCF-style: chr12-56563946-ATC-A.
Other names: c.2392_2393del, p.Thr797_Asp798insTer (NM_001130420.3, NM_139067.4); c.2299_2300del, p.Thr766_Asp767insTer (NM_003075.5).
Identifiers: ClinVar variation 3360944 (VCV003360944.1).
Genomic context (GRCh38, chr12:56,170,162, plus strand): 5'-TGCTGCACGCAGCCCCTGCAGCTTCCAGAAATCCCTCTATACCTTGGGCTCCTTCTTCTC[ATC>A]TGTGGCCTGGCCTTCCACCCGAGCCTCGTCATTCCCGCTCTCCTCTGGGCCCATGAGAAA-3'